The following is an entry in ClinVar:

NM_001854.4(COL11A1):c.4232G>T (p.Gly1411Val)

Gene: COL11A1 (collagen type XI alpha 1 chain; minus strand). Cytogenetic location: 1p21.1.
Variant type: single nucleotide variant.
Coding change: c.4232G>T on transcript NM_001854.4 (MANE Select); coding-DNA position 4232, G replaced by T.
Protein change: p.Gly1411Val; replaces glycine 1411 with valine.
Molecular consequence: missense variant. On other transcripts: non-coding transcript variant (1).
Genome position (GRCh38, 1-based): chr1:102,898,682, C>A on the plus strand (G>T on the coding strand, the complement: COL11A1 is on the minus strand). VCF-style: chr1-102898682-C-A. GRCh37 (hg19) VCF-style: chr1-103364238-C-A.
Other names: c.4115G>T, p.Gly1372Val (NM_001190709.2); c.4268G>T, p.Gly1423Val (NM_080629.3); c.3884G>T, p.Gly1295Val (NM_080630.4); short protein forms G1295V, G1372V, G1411V, G1423V.
Identifiers: ClinVar variation 3364135 (VCV003364135.1).

ClinVar aggregate classification (germline): Uncertain significance (1 of 4 stars; one submission).

Submission:

GeneDx
Classification: Uncertain significance. Last evaluated: 2023-11-13. Review status: criteria provided, single submitter. Criteria: GeneDx Variant Classification Process June 2021. Collection method: clinical testing. Allele origin: germline. Affected: yes.
Comment: Not observed at significant frequency in large population cohorts (gnomAD); In silico analysis supports that this missense variant has a deleterious effect on protein structure/function; Has not been previously published as pathogenic or benign to our knowledge; This variant is associated with the following publications: (PMID: 25240749)